The following is an entry in ClinVar:

NM_000077.5(CDKN2A):c.45G>A (p.Trp15Ter)

Gene: CDKN2A (cyclin dependent kinase inhibitor 2A; minus strand). Cytogenetic location: 9p21.3.
Variant type: single nucleotide variant.
Coding change: c.45G>A on transcript NM_000077.5; coding-DNA position 45, G replaced by A.
Protein change: p.Trp15Ter; replaces tryptophan 15 with a stop codon.
Molecular consequence: nonsense (on NM_000077.6). On other transcripts: intron variant (2).
Genome position (GRCh38, 1-based): chr9:21,974,783, C>T on the plus strand (G>A on the coding strand, the complement: CDKN2A is on the minus strand). VCF-style: chr9-21974783-C-T. GRCh37 (hg19) VCF-style: chr9-21974782-C-T.
Other names: c.45G>A, p.Trp15Ter (NM_000077.6, NM_001195132.2, NM_058197.5); c.-3-3575G>A (NM_001363763.2); c.194-3575G>A (NM_058195.4); short protein forms W15*.
Identifiers: ClinVar variation 850910 (VCV000850910.7), dbSNP rs138677674, ClinGen allele CA5012332.

ClinVar aggregate classification (germline): Pathogenic (1 of 4 stars; one submission).

Conditions:
Familial melanoma. Also called: Hereditary melanoma; Hereditary cutaneous melanoma. Identifiers: Orphanet 618, MedGen C1512419, MONDO:0018961.

Allele frequency attached by ClinVar (database versions not stated): gnomAD exomes below 0.00001; ExAC 0.00001.
gnomAD v4.1: 1 of 1,607,920 alleles (0.000062%); highest among the groups gnomAD compares: Non-Finnish European, 0.000085%; no homozygotes.

Submission:

Labcorp Genetics (formerly Invitae), Labcorp
Classification: Pathogenic for Familial melanoma. Last evaluated: 2022-01-11. Review status: criteria provided, single submitter. Criteria: Invitae Variant Classification Sherloc (09022015). Collection method: clinical testing. Allele origin: germline.
Comment: This sequence change creates a premature translational stop signal (p.Trp15*) in the CDKN2A (p16INK4a) gene. It is expected to result in an absent or disrupted protein product. Loss-of-function variants in CDKN2A (p16INK4a) are known to be pathogenic (PMID: 15146471, 16905682). This variant is present in population databases (rs138677674, gnomAD 0.001%). This premature translational stop signal has been observed in individual(s) with melanoma and pancreatic adenocarcinoma (PMID: 10398427, 18983535, 28830827, 29961768). It has also been observed to segregate with disease in related individuals. ClinVar contains an entry for this variant (Variation ID: 850910). For these reasons, this variant has been classified as Pathogenic.

Literature cited by the submitters: PubMed 15146471; PubMed 16905682; PubMed 10398427; PubMed 18983535; PubMed 28830827; PubMed 29961768.